The following is an entry in ClinVar:

ClinVar aggregate classification (germline): Uncertain significance. Review status: criteria provided, multiple submitters, no conflicts (2 of 4 stars). 2 submissions from 2 submitters: Uncertain significance (2). Last evaluated 2023-08-04.

Conditions:
Idiopathic generalized epilepsy. Also called: EIG; Generalised epilepsy. Identifiers: MedGen C0270850, MONDO:0005579, OMIM 600669.
Hyperaldosteronism, familial, type IV (HALD4). Also called: FH IV; ALDOSTERONISM, PRIMARY, AND HYPERTENSION. Identifiers: Orphanet 642671, MedGen C4310756, MONDO:0014875, OMIM 617027.

Allele frequency attached by ClinVar (database versions not stated): gnomAD exomes 0.00001; ExAC 0.00002; TOPMed 0.00002; gnomAD 0.00003.
gnomAD v4.1: 23 of 1,554,544 alleles (0.0015%); highest among the groups gnomAD compares: African/African-American, 0.0041%; no homozygotes.

Submissions (2):

Labcorp Genetics (formerly Invitae), Labcorp
Classification: Uncertain significance for Idiopathic generalized epilepsy; Hyperaldosteronism, familial, type IV. Last evaluated: 2023-08-04. Review status: criteria provided, single submitter. Criteria: Invitae Variant Classification Sherloc (09022015). Collection method: clinical testing. Allele origin: germline.
Comment: This sequence change replaces methionine, which is neutral and non-polar, with threonine, which is neutral and polar, at codon 800 of the CACNA1H protein (p.Met800Thr). The frequency data for this variant in the population databases is considered unreliable, as metrics indicate poor data quality at this position in the gnomAD database. This variant has not been reported in the literature in individuals affected with CACNA1H-related conditions. ClinVar contains an entry for this variant (Variation ID: 807339). Advanced modeling of protein sequence and biophysical properties (such as structural, functional, and spatial information, amino acid conservation, physicochemical variation, residue mobility, and thermodynamic stability) performed at Invitae indicates that this missense variant is expected to disrupt CACNA1H protein function. In summary, the available evidence is currently insufficient to determine the role of this variant in disease. Therefore, it has been classified as a Variant of Uncertain Significance.

CeGaT Center for Human Genetics Tuebingen
Classification: Uncertain significance. Last evaluated: 2016-08-01. Review status: criteria provided, single submitter. Criteria: CeGaT Center For Human Genetics Tuebingen Variant Classification Criteria Version 2. Collection method: clinical testing. Allele origin: germline. Affected: yes. Observed: 1 variant allele.

NM_021098.3(CACNA1H):c.2399T>C (p.Met800Thr)

Gene: CACNA1H (calcium voltage-gated channel subunit alpha1 H; plus strand). Cytogenetic location: 16p13.3.
Variant type: single nucleotide variant.
Coding change: c.2399T>C on transcript NM_021098.3 (MANE Select); coding-DNA position 2399, T replaced by C.
Protein change: p.Met800Thr; replaces methionine 800 with threonine.
Molecular consequence: missense variant.
Genome position (GRCh38, 1-based): chr16:1,204,406, T>C. VCF-style: chr16-1204406-T-C. GRCh37 (hg19) VCF-style: chr16-1254406-T-C.
Other names: c.2399T>C, p.Met800Thr (NM_001005407.2); short protein forms M800T.
Identifiers: ClinVar variation 807339 (VCV000807339.46), dbSNP rs747121461, ClinGen allele CA7800232.
Genomic context (GRCh38, chr16:1,204,406, plus strand): 5'-TTACCTTCAGCGGCAAGCTGCGCCGCATCGTGGACAGCAAGTACTTCAGCCGTGGCATCA[T>C]GATGGCCATCCTTGTCAACACGCTGAGCATGGGCGTGGAGTACCATGAGCAGGTGCGGGC-3'
Protein context (NP_066921.2, residues 790-810): VDSKYFSRGI[Met800Thr]MAILVNTLSM